The following is an entry in ClinVar:

NC_000015.10:g.24361585_24422860dup

Variant type: Duplication.
Identifiers: ClinVar variation 157336 (VCV000157336.2).

ClinVar aggregate classification (germline): not provided (0 of 4 stars; one submission).

Conditions:
Normal pregnancy. Identifiers: MedGen C0232989.

Submission:

Institute of Molecular and Cell Biology, University of Tartu
No classification provided. Condition: Normal pregnancy. Review status: no classification provided. Collection method: case-control. Allele origin: unknown. Affected: yes. Study: Kasak2014.
Comment: The study aimed to determine the contribution of copy number variants in the genetic etiology of normal and complicated pregnancies. The samples represented (i) maternal blood DNA drawn from healthy pregnant women during 1st or 2nd trimester and (ii) maternal and paternal blood DNA drawn at term pregnancy cases representing normal and complicated gestations (severe preeclampsia, PE; gestational diabetes, GD; small-for-gestational age newborn, SGA; large-for-gestational age newborn, LGA). We performed CNV calling based on genome-wide genotyping dataset (Illumina HumanOmniExpress-24-v1 BeadChip) by applying three algorithms, QuantiSNP, GADA (Genome Alteration Detection Algorithm) and CNstream in parallel. The acquired CNV calls were merged with HD-CNV (Hotspot Detector for Copy Number Variants) program and only the CNVs predicted by at least two programs, were considered in subsequent analysis.

Literature cited by the submitters: PubMed 25666259.